The following is an entry in ClinVar:

NM_000214.3(JAG1):c.3007G>C (p.Glu1003Gln)

Gene: JAG1 (jagged canonical Notch ligand 1; minus strand). Cytogenetic location: 20p12.2.
Variant type: single nucleotide variant.
Coding change: c.3007G>C on transcript NM_000214.3 (MANE Select); coding-DNA position 3007, G replaced by C.
Protein change: p.Glu1003Gln; replaces glutamic acid 1003 with glutamine.
Molecular consequence: missense variant.
Genome position (GRCh38, 1-based): chr20:10,641,154, C>G on the plus strand (G>C on the coding strand, the complement: JAG1 is on the minus strand). VCF-style: chr20-10641154-C-G. GRCh37 (hg19) VCF-style: chr20-10621802-C-G.
Other names: short protein forms E1003Q.
Identifiers: ClinVar variation 896088 (VCV000896088.8), dbSNP rs781509375, ClinGen allele CA9764326.

ClinVar aggregate classification (germline): Uncertain significance. Review status: criteria provided, multiple submitters, no conflicts (2 of 4 stars). 3 submissions from 3 submitters: Uncertain significance (3). Last evaluated 2025-10-01.

Conditions:
Isolated Nonsyndromic Congenital Heart Disease.
Charcot-Marie-Tooth disease, axonal, Type 2HH. Also called: CHARCOT-MARIE-TOOTH NEUROPATHY, TYPE 2HH. Identifiers: MedGen C5562003, MONDO:0030458, OMIM 619574.
Deafness, congenital heart defects, and posterior embryotoxon (DCHE). Identifiers: MedGen C1866053, MONDO:0060713, OMIM 617992.
Tetralogy of Fallot (TOF). Identifiers: Orphanet 3303, MedGen C0039685, MONDO:0008542, OMIM 187500, HP:0001636.
Alagille syndrome due to a JAG1 point mutation. Also called: Alagille Syndrome 1; HEPATIC DUCTULAR HYPOPLASIA, SYNDROMATIC; JAG1-Related Alagille Syndrome. Identifiers: Orphanet 261619, Orphanet 52, MedGen C1956125, MONDO:0016862, OMIM 118450.
Cardiovascular phenotype. Identifiers: MedGen CN230736.

Allele frequency attached by ClinVar (database versions not stated): TOPMed 0.00001.
gnomAD v4.1: 4 of 1,613,838 alleles (0.00025%); highest among the groups gnomAD compares: African/African-American, 0.0027%; no homozygotes.

Submissions (3):

Ambry Genetics
Classification: Uncertain significance for Cardiovascular phenotype. Last evaluated: 2025-10-01. Review status: criteria provided, single submitter. Criteria: Ambry Variant Classification Scheme 2023. Collection method: clinical testing. Allele origin: germline.
Comment: The p.E1003Q variant (also known as c.3007G>C), located in coding exon 24 of the JAG1 gene, results from a G to C substitution at nucleotide position 3007. The glutamic acid at codon 1003 is replaced by glutamine, an amino acid with highly similar properties. This amino acid position is conserved. In addition, the in silico prediction for this alteration is inconclusive. Since supporting evidence is limited at this time, the clinical significance of this alteration remains unclear.

Fulgent Genetics
Classification: Uncertain significance for Alagille syndrome due to a JAG1 point mutation; Tetralogy of Fallot; Deafness, congenital heart defects, and posterior embryotoxon; Charcot-Marie-Tooth disease, axonal, Type 2HH. Last evaluated: 2024-03-20. Review status: criteria provided, single submitter. Criteria: ACMG Guidelines, 2015. Collection method: clinical testing. Allele origin: germline.

Illumina Laboratory Services, Illumina
Classification: Uncertain significance for Isolated Nonsyndromic Congenital Heart Disease. Last evaluated: 2017-04-27. Review status: criteria provided, single submitter. Criteria: ICSL Variant Classification Criteria 13 December 2019. Collection method: clinical testing. Allele origin: germline.